The following is an entry in ClinVar:

ClinVar aggregate classification (germline): Uncertain significance (1 of 4 stars; one submission).

gnomAD v4.1: 1 of 1,574,960 alleles (0.000063%); highest among the groups gnomAD compares: African/African-American, 0.0014%; no homozygotes.

Submission:

GeneDx
Classification: Uncertain significance. Last evaluated: 2024-04-05. Review status: criteria provided, single submitter. Criteria: GeneDx Variant Classification Process June 2021. Collection method: clinical testing. Allele origin: germline. Affected: yes.
Comment: Not observed at significant frequency in large population cohorts (gnomAD); In silico analysis indicates that this missense variant does not alter protein structure/function; Has not been previously published as pathogenic or benign to our knowledge

NM_001739.2(CA5A):c.692C>G (p.Ala231Gly)

Gene: CA5A (carbonic anhydrase 5A; minus strand). Cytogenetic location: 16q24.2.
Variant type: single nucleotide variant.
Coding change: c.692C>G on transcript NM_001739.2 (MANE Select); coding-DNA position 692, C replaced by G.
Protein change: p.Ala231Gly; replaces alanine 231 with glycine.
Molecular consequence: missense variant. On other transcripts: non-coding transcript variant (2).
Genome position (GRCh38, 1-based): chr16:87,891,881, G>C on the plus strand (C>G on the coding strand, the complement: CA5A is on the minus strand). VCF-style: chr16-87891881-G-C. GRCh37 (hg19) VCF-style: chr16-87925487-G-C.
Other names: c.692C>G, p.Ala231Gly (NM_001367225.1); short protein forms A231G.
Identifiers: ClinVar variation 3372166 (VCV003372166.1).